The following is an entry in ClinVar:

ClinVar aggregate classification (germline): Uncertain significance (1 of 4 stars; one submission).

Conditions:
Familial thoracic aortic aneurysm and aortic dissection (TAAD). Also called: Thoracic aortic aneurysms and dissections. Identifiers: Orphanet 91387, MedGen C4707243, MONDO:0019625.

Allele frequency attached by ClinVar (database versions not stated): gnomAD exomes below 0.00001.
gnomAD v4.1: 1 of 1,614,210 alleles (0.000062%); highest among the groups gnomAD compares: Non-Finnish European, 0.000085%; no homozygotes.

Submission:

Color Diagnostics, LLC DBA Color Health
Classification: Uncertain significance for Familial thoracic aortic aneurysm and aortic dissection. Last evaluated: 2024-03-06. Review status: criteria provided, single submitter. Criteria: ACMG Guidelines, 2015. Collection method: clinical testing. Allele origin: germline.
Comment: This missense variant replaces histidine with glutamine at codon 2392 of the FBN1 protein. Computational prediction suggests that this variant may not impact protein structure and function (internally defined REVEL score threshold <= 0.5, PMID: 27666373). To our knowledge, functional studies have not been reported for this variant. This variant has not been reported in individuals affected with cardiovascular disorders in the literature. This variant has not been identified in the general population by the Genome Aggregation Database (gnomAD). The available evidence is insufficient to determine the role of this variant in disease conclusively. Therefore, this variant is classified as a Variant of Uncertain Significance.

NM_000138.5(FBN1):c.7176T>A (p.His2392Gln)

Gene: FBN1 (fibrillin 1; minus strand). Cytogenetic location: 15q21.1.
Variant type: single nucleotide variant.
Coding change: c.7176T>A on transcript NM_000138.5 (MANE Select); coding-DNA position 7176, T replaced by A.
Protein change: p.His2392Gln; replaces histidine 2392 with glutamine.
Molecular consequence: missense variant.
Genome position (GRCh38, 1-based): chr15:48,427,595, A>T on the plus strand (T>A on the coding strand, the complement: FBN1 is on the minus strand). VCF-style: chr15-48427595-A-T. GRCh37 (hg19) VCF-style: chr15-48719792-A-T.
Other names: c.7176T>A, p.His2392Gln (NM_001406716.1); short protein forms H2392Q.
Identifiers: ClinVar variation 2773316 (VCV002773316.2), dbSNP rs2505412036, ClinGen allele CA392329218.